The following is an entry in ClinVar:

ClinVar aggregate classification (germline): Uncertain significance (1 of 4 stars; one submission).

Conditions:
Fanconi anemia (FA). Also called: Fanconi's anemia. Identifiers: Orphanet 84, MedGen C0015625, MeSH D005199, MONDO:0019391.

Submission:

Labcorp Genetics (formerly Invitae), Labcorp
Classification: Uncertain significance for Fanconi anemia. Last evaluated: 2021-12-01. Review status: criteria provided, single submitter. Criteria: Invitae Variant Classification Sherloc (09022015). Collection method: clinical testing. Allele origin: germline.
Comment: This variant has not been reported in the literature in individuals affected with FANCB-related conditions. Algorithms developed to predict the effect of missense changes on protein structure and function output the following: SIFT: "Tolerated"; PolyPhen-2: "Benign"; Align-GVGD: "Class C0". The tyrosine amino acid residue is found in multiple mammalian species, which suggests that this missense change does not adversely affect protein function. In summary, the available evidence is currently insufficient to determine the role of this variant in disease. Therefore, it has been classified as a Variant of Uncertain Significance. This variant is not present in population databases (gnomAD no frequency). This sequence change replaces histidine, which is basic and polar, with tyrosine, which is neutral and polar, at codon 810 of the FANCB protein (p.His810Tyr).

NM_001018113.3(FANCB):c.2428C>T (p.His810Tyr)

Gene: FANCB (FA complementation group B; minus strand). Cytogenetic location: Xp22.2.
Variant type: single nucleotide variant.
Coding change: c.2428C>T on transcript NM_001018113.3 (MANE Select); coding-DNA position 2428, C replaced by T.
Protein change: p.His810Tyr; replaces histidine 810 with tyrosine.
Molecular consequence: missense variant.
Genome position (GRCh38, 1-based): chrX:14,843,719, G>A on the plus strand (C>T on the coding strand, the complement: FANCB is on the minus strand). VCF-style: chrX-14843719-G-A. GRCh37 (hg19) VCF-style: chrX-14861841-G-A.
Other names: c.2428C>T, p.His810Tyr (NM_001324162.2, NM_152633.4); short protein forms H810Y.
Identifiers: ClinVar variation 1466089 (VCV001466089.6), dbSNP rs2147386628, ClinGen allele CA412437380.